The following is an entry in ClinVar:

ClinVar aggregate classification (germline): Uncertain significance (1 of 4 stars; one submission).

Conditions:
Amyotrophic lateral sclerosis type 21. Also called: MYOPATHY, DISTAL, 2; VOCAL CORD AND PHARYNGEAL DYSFUNCTION WITH DISTAL MYOPATHY. Identifiers: Orphanet 600, Orphanet 803, MedGen C3807521, MONDO:0011632, OMIM 606070.

Submission:

Labcorp Genetics (formerly Invitae), Labcorp
Classification: Uncertain significance for Amyotrophic lateral sclerosis type 21. Last evaluated: 2025-09-09. Review status: criteria provided, single submitter. Criteria: Invitae Variant Classification Sherloc (09022015). Collection method: clinical testing. Allele origin: germline.
Comment: This sequence change replaces threonine, which is neutral and polar, with proline, which is neutral and non-polar, at codon 622 of the MATR3 protein (p.Thr622Pro). This variant is not present in population databases (gnomAD no frequency). This variant has not been reported in the literature in individuals affected with MATR3-related conditions. Invitae Evidence Modeling of protein sequence and biophysical properties (such as structural, functional, and spatial information, amino acid conservation, physicochemical variation, residue mobility, and thermodynamic stability) indicates that this missense variant is not expected to disrupt MATR3 protein function with a negative predictive value of 80%. In summary, the available evidence is currently insufficient to determine the role of this variant in disease. Therefore, it has been classified as a Variant of Uncertain Significance.

NM_018834.6(MATR3):c.1864A>C (p.Thr622Pro)

Genes: MATR3 (matrin 3; plus strand), LOC126807526 (CDK7 strongly-dependent group 2 enhancer GRCh37_chr5:138657767-138658966; plus strand). Cytogenetic location: 5q31.2.
Variant type: single nucleotide variant.
Coding change: c.1864A>C on transcript NM_018834.6 (MANE Select); coding-DNA position 1864, A replaced by C.
Protein change: p.Thr622Pro; replaces threonine 622 with proline.
Molecular consequence: missense variant.
Genome position (GRCh38, 1-based): chr5:139,322,683, A>C. VCF-style: chr5-139322683-A-C. GRCh37 (hg19) VCF-style: chr5-138658372-A-C.
Other names: c.1864A>C, p.Thr622Pro (NM_001194954.2, NM_001194955.2, NM_001400441.1 and 16 more transcripts); c.1000A>C, p.Thr334Pro (NM_001194956.2); c.850A>C, p.Thr284Pro (NM_001282278.2, NM_001400460.1, NM_001400462.1 and 5 more transcripts); c.1003A>C, p.Thr335Pro (NM_001400459.1); c.964A>C, p.Thr322Pro (NM_001400461.1); short protein forms T284P, T335P, T322P, T622P, T334P.
Identifiers: ClinVar variation 4745145 (VCV004745145.1).